The following is an entry in ClinVar:

ClinVar aggregate classification (germline): Likely pathogenic. Review status: criteria provided, multiple submitters, no conflicts (2 of 4 stars). 2 submissions from 2 submitters: Likely pathogenic (2). Last evaluated 2025-10-14.

Conditions:
PKD1L1-related disorder. Also called: PKD1L1-related condition.

Allele frequency attached by ClinVar (database versions not stated): TOPMed below 0.00001; gnomAD 0.00001.
gnomAD v4.1: 6 of 1,613,774 alleles (0.00037%); highest among the groups gnomAD compares: East Asian, 0.0022%; no homozygotes.

Submissions (2):

PreventionGenetics, part of Exact Sciences
Classification: Likely pathogenic for PKD1L1-related condition. Last evaluated: 2025-10-14. Review status: criteria provided, single submitter. Criteria: ACMG Guidelines, 2015. Collection method: clinical testing. Allele origin: germline.
Comment: The PKD1L1 c.7838G>A variant is predicted to result in premature protein termination (p.Trp2613*). To our knowledge, this variant has not been reported in the literature. This variant is reported in 0.064% of alleles in individuals of East Asian descent in gnomAD. Nonsense variants in PKD1L1 are expected to be pathogenic. This variant is interpreted as likely pathogenic.

Blueprint Genetics
Classification: Likely pathogenic for PKD1L1-related disorders. Last evaluated: 2021-06-07. Review status: criteria provided, single submitter. Criteria: ACMG Guidelines, 2015. Collection method: clinical testing. Allele origin: germline. Affected: yes. Observed: 2 variant alleles.

NM_138295.5(PKD1L1):c.7838G>A (p.Trp2613Ter)

Genes: PKD1L1 (polycystin 1 like 1, transient receptor potential channel interacting; minus strand), PKD1L1-AS1 (PKD1L1 antisense RNA 1; plus strand). Cytogenetic location: 7p12.3.
Variant type: single nucleotide variant.
Coding change: c.7838G>A on transcript NM_138295.5 (MANE Select); coding-DNA position 7838, G replaced by A.
Protein change: p.Trp2613Ter; replaces tryptophan 2613 with a stop codon.
Molecular consequence: nonsense.
Genome position (GRCh38, 1-based): chr7:47,803,334, C>T on the plus strand (G>A on the coding strand, the complement: PKD1L1 is on the minus strand). VCF-style: chr7-47803334-C-T. GRCh37 (hg19) VCF-style: chr7-47842932-C-T.
Other names: short protein forms W2613*.
Identifiers: ClinVar variation 2629252 (VCV002629252.3), dbSNP rs948915766, ClinGen allele CA158077674.